The following is an entry in ClinVar:

NM_016222.4(DDX41):c.613A>G (p.Thr205Ala)

Gene: DDX41 (DEAD-box helicase 41; minus strand). Cytogenetic location: 5q35.3.
Variant type: single nucleotide variant.
Coding change: c.613A>G on transcript NM_016222.4 (MANE Select); coding-DNA position 613, A replaced by G.
Protein change: p.Thr205Ala; replaces threonine 205 with alanine.
Molecular consequence: missense variant.
Genome position (GRCh38, 1-based): chr5:177,515,217, T>C on the plus strand (A>G on the coding strand, the complement: DDX41 is on the minus strand). VCF-style: chr5-177515217-T-C. GRCh37 (hg19) VCF-style: chr5-176942218-T-C.
Other names: c.235A>G, p.Thr79Ala (NM_001321732.2, NM_001321830.2); short protein forms T205A, T79A.
Identifiers: ClinVar variation 3839081 (VCV003839081.1).

ClinVar aggregate classification (germline): Uncertain significance (1 of 4 stars; one submission).

Conditions:
Inborn genetic diseases. Identifiers: MedGen C0950123, MeSH D030342.

Submission:

Ambry Genetics
Classification: Uncertain significance for Inborn genetic diseases. Last evaluated: 2025-03-12. Review status: criteria provided, single submitter. Criteria: Ambry Variant Classification Scheme 2023. Collection method: clinical testing. Allele origin: germline.
Comment: The p.T205A variant (also known as c.613A>G), located in coding exon 7 of the DDX41 gene, results from an A to G substitution at nucleotide position 613. The threonine at codon 205 is replaced by alanine, an amino acid with similar properties. This amino acid position is conserved. In addition, the in silico prediction for this alteration is inconclusive. Based on the available evidence, the clinical significance of this variant remains unclear.